The following is an entry in ClinVar:

ClinVar aggregate classification (germline): Uncertain significance. Review status: criteria provided, multiple submitters, no conflicts (2 of 4 stars). 3 submissions from 3 submitters: Uncertain significance (3). Last evaluated 2024-01-15.

Allele frequency attached by ClinVar (database versions not stated): ESP Exome Variant Server 0.00008; gnomAD exomes 0.00011 and 0.00021; 1000 Genomes Project 30x 0.00062; gnomAD 0.00001 and 0.00006; TOPMed 0.00002; ExAC 0.00027; 1000 Genomes Project 0.00080.

Submissions (3):

Labcorp Genetics (formerly Invitae), Labcorp
Classification: Uncertain significance. Last evaluated: 2024-01-15. Review status: criteria provided, single submitter. Criteria: Invitae Variant Classification Sherloc (09022015). Collection method: clinical testing. Allele origin: germline.
Comment: This sequence change replaces methionine, which is neutral and non-polar, with valine, which is neutral and non-polar, at codon 19 of the SP7 protein (p.Met19Val). This variant is present in population databases (rs373764662, gnomAD 0.1%). This variant has not been reported in the literature in individuals affected with SP7-related conditions. ClinVar contains an entry for this variant (Variation ID: 290758). An algorithm developed to predict the effect of missense changes on protein structure and function (PolyPhen-2) suggests that this variant is likely to be disruptive. In summary, the available evidence is currently insufficient to determine the role of this variant in disease. Therefore, it has been classified as a Variant of Uncertain Significance.

Eurofins Ntd Llc (ga)
Classification: Uncertain significance. Last evaluated: 2016-09-05. Review status: criteria provided, single submitter. Criteria: EGL Classification Definitions 2015. Collection method: clinical testing. Allele origin: germline. Observed: 1 variant allele, 1 heterozygote.

Breakthrough Genomics
Classification: Uncertain significance. Review status: criteria provided, single submitter. Criteria: ACMG Guidelines, 2015. Collection method: not provided. Allele origin: germline. Inheritance: Autosomal recessive inheritance. Affected: yes.

NM_001173467.3(SP7):c.55A>G (p.Met19Val)

Gene: SP7 (Sp7 transcription factor; minus strand). Cytogenetic location: 12q13.13.
Variant type: single nucleotide variant.
Coding change: c.55A>G on transcript NM_001173467.3 (MANE Select); coding-DNA position 55, A replaced by G.
Protein change: p.Met19Val; replaces methionine 19 with valine.
Molecular consequence: missense variant. On other transcripts: initiator codon variant (1).
Genome position (GRCh38, 1-based): chr12:53,329,387, T>C on the plus strand (A>G on the coding strand, the complement: SP7 is on the minus strand). VCF-style: chr12-53329387-T-C. GRCh37 (hg19) VCF-style: chr12-53723171-T-C.
Other names: c.1A>G, p.Met1Val (NM_001300837.2); c.55A>G, p.Met19Val (NM_152860.2); short protein forms M19V, M1V.
Identifiers: ClinVar variation 290758 (VCV000290758.9), dbSNP rs373764662, ClinGen allele CA6599627.